The following is an entry in ClinVar:

NM_000481.4(AMT):c.434A>G (p.Asn145Ser)

Gene: AMT (aminomethyltransferase; minus strand). Cytogenetic location: 3p21.31.
Variant type: single nucleotide variant.
Coding change: c.434A>G on transcript NM_000481.4 (MANE Select); coding-DNA position 434, A replaced by G.
Protein change: p.Asn145Ser; replaces asparagine 145 with serine.
Molecular consequence: missense variant. On other transcripts: non-coding transcript variant (1), intron variant (1).
Genome position (GRCh38, 1-based): chr3:49,420,248, T>C on the plus strand (A>G on the coding strand, the complement: AMT is on the minus strand). VCF-style: chr3-49420248-T-C. GRCh37 (hg19) VCF-style: chr3-49457681-T-C.
Other names: c.266A>G, p.Asn89Ser (NM_001164711.2); c.434A>G, p.Asn145Ser (NM_001164712.2); c.340-460A>G (NM_001164710.2); short protein forms N89S, N145S.
Identifiers: ClinVar variation 856726 (VCV000856726.4), dbSNP rs386833682, ClinGen allele CA74515097.

ClinVar aggregate classification (germline): Uncertain significance (1 of 4 stars; one submission).

Conditions:
Glycine encephalopathy. Also called: Nonketotic hyperglycinemia; Non-ketotic hyperglycinemia. Identifiers: Orphanet 407, MedGen C0751748, MONDO:0011612, HP:0008288.

Allele frequency attached by ClinVar (database versions not stated): gnomAD 0.00002; TOPMed 0.00003.
gnomAD v4.1: 44 of 1,614,096 alleles (0.0027%); highest among the groups gnomAD compares: Non-Finnish European, 0.0036%; no homozygotes.

Submission:

Labcorp Genetics (formerly Invitae), Labcorp
Classification: Uncertain significance for Glycine encephalopathy. Last evaluated: 2022-03-19. Review status: criteria provided, single submitter. Criteria: Invitae Variant Classification Sherloc (09022015). Collection method: clinical testing. Allele origin: germline.
Comment: This sequence change replaces asparagine, which is neutral and polar, with serine, which is neutral and polar, at codon 145 of the AMT protein (p.Asn145Ser). This variant is present in population databases (no rsID available, gnomAD 0.003%). This variant has not been reported in the literature in individuals affected with AMT-related conditions. ClinVar contains an entry for this variant (Variation ID: 856726). Algorithms developed to predict the effect of missense changes on protein structure and function are either unavailable or do not agree on the potential impact of this missense change (SIFT: "Deleterious"; PolyPhen-2: "Possibly Damaging"; Align-GVGD: "Class C15"). Algorithms developed to predict the effect of sequence changes on RNA splicing suggest that this variant may create or strengthen a splice site. In summary, the available evidence is currently insufficient to determine the role of this variant in disease. Therefore, it has been classified as a Variant of Uncertain Significance.